The following is an entry in ClinVar:

NM_000235.4(LIPA):c.164_165del (p.Thr55fs)

Gene: LIPA (lipase A, lysosomal acid type; minus strand). Cytogenetic location: 10q23.31.
Variant type: Deletion.
Coding change: c.164_165del on transcript NM_000235.4 (MANE Select); coding-DNA positions 164 to 165, 2 bases deleted (CA; older notation c.164_165delCA).
Protein change: p.Thr55fs; shifts the reading frame from threonine 55.
Molecular consequence: frameshift variant. On other transcripts: intron variant (1).
Genome position (GRCh38, 1-based): chr10:89,245,740-89,245,741, TG deleted on the plus strand (CA on the coding strand, the reverse complement: LIPA is on the minus strand); deleting any 2 consecutive bases within chr10:89,245,740-89,245,742 gives the same sequence; the c. name uses the placement nearest the transcript's 3' end. VCF-style (leftmost placement, unchanged base first): chr10-89245739-CTG-C. GRCh37 (hg19) VCF-style: chr10-91005496-CTG-C.
Other names: c.164_165del, p.Thr55fs (NM_001127605.3); c.-120+5996_-120+5997del (NM_001288979.2); short protein forms T55fs.
Identifiers: ClinVar variation 4069973 (VCV004069973.2).

ClinVar aggregate classification (germline): Likely pathogenic (1 of 4 stars; one submission).

Conditions:
Lysosomal acid lipase deficiency. Also called: Acid cholesteryl ester hydrolase deficiency, type 2. Identifiers: Orphanet 275761, MedGen C5574740, MONDO:0800449, MONDO:0010204.

Submission:

Natera, Inc.
Classification: Likely pathogenic for Lysosomal acid lipase deficiency. Last evaluated: 2025-01-28. Review status: criteria provided, single submitter. Criteria: Natera Variant Classification Schema (03/2026). Collection method: clinical testing. Allele origin: germline.
Comment: The c.164_165del variant in LIPA is a frameshift variant predicted to shift the reading frame beginning at codon 55 and leads to a stop codon 9 codons downstream. This variant is expected to result in nonsense mediated decay, truncation, or a dysfunctional protein product. This variant is rare in the general population with a frequency below the threshold expected for the associated phenotype(s). Given the available evidence, this variant is classified as Likely Pathogenic.